The following is an entry in ClinVar:

NM_170784.3(MKKS):c.955A>T (p.Thr319Ser)

Gene: MKKS (MKKS centrosomal shuttling protein; minus strand). Cytogenetic location: 20p12.2.
Variant type: single nucleotide variant.
Coding change: c.955A>T on transcript NM_170784.3 (MANE Select); coding-DNA position 955, A replaced by T.
Protein change: p.Thr319Ser; replaces threonine 319 with serine.
Molecular consequence: missense variant.
Genome position (GRCh38, 1-based): chr20:10,412,560, T>A on the plus strand (A>T on the coding strand, the complement: MKKS is on the minus strand). VCF-style: chr20-10412560-T-A. GRCh37 (hg19) VCF-style: chr20-10393208-T-A.
Other names: c.955A>T, p.Thr319Ser (NM_018848.3); short protein forms T319S.
Identifiers: ClinVar variation 2116278 (VCV002116278.4), dbSNP rs2514495377, ClinGen allele CA408231987.
Genomic context (GRCh38, chr20:10,412,560, plus strand): 5'-TAAGAGGCAAAAGCAAAGAGTGATTTTTACCTGTCATTTTAGTCAGGGGTTCCATCAGAG[T>A]CACTCCAATTCTGTCTATGGCAATAATACGATGCATATTGAGAAACTGCTTCAAAGATGG-3'
Protein context (NP_740754.1, residues 309-329): RIIAIDRIGV[Thr319Ser]LMEPLTKMTG

ClinVar aggregate classification (germline): Uncertain significance (1 of 4 stars; one submission).

Conditions:
Bardet-Biedl syndrome (BBS). Identifiers: Orphanet 110, MedGen C0752166, MONDO:0015229.
McKusick-Kaufman syndrome (MKKS). Also called: HYDROMETROCOLPOS SYNDROME; HYDROMETROCOLPOS, POSTAXIAL POLYDACTYLY, AND CONGENITAL HEART MALFORMATION. Identifiers: Orphanet 2473, MedGen C0948368, MONDO:0009367, OMIM 236700.

Submission:

Labcorp Genetics (formerly Invitae), Labcorp
Classification: Uncertain significance for McKusick-Kaufman syndrome; Bardet-Biedl syndrome. Last evaluated: 2022-10-05. Review status: criteria provided, single submitter. Criteria: Invitae Variant Classification Sherloc (09022015). Collection method: clinical testing. Allele origin: germline.
Comment: In summary, the available evidence is currently insufficient to determine the role of this variant in disease. Therefore, it has been classified as a Variant of Uncertain Significance. Advanced modeling of protein sequence and biophysical properties (such as structural, functional, and spatial information, amino acid conservation, physicochemical variation, residue mobility, and thermodynamic stability) performed at Invitae indicates that this missense variant is not expected to disrupt MKKS protein function. This variant has not been reported in the literature in individuals affected with MKKS-related conditions. This variant is not present in population databases (gnomAD no frequency). This sequence change replaces threonine, which is neutral and polar, with serine, which is neutral and polar, at codon 319 of the MKKS protein (p.Thr319Ser).